The following is an entry in ClinVar:

ClinVar aggregate classification (germline): Pathogenic (1 of 4 stars; one submission).

Allele frequency attached by ClinVar (database versions not stated): ExAC 0.00001; gnomAD 0.00001; gnomAD exomes 0.00001.
gnomAD v4.1: 14 of 1,611,810 alleles (0.00087%); highest among the groups gnomAD compares: South Asian, 0.015%; no homozygotes.

Submission:

Labcorp Genetics (formerly Invitae), Labcorp
Classification: Pathogenic. Last evaluated: 2021-10-27. Review status: criteria provided, single submitter. Criteria: Invitae Variant Classification Sherloc (09022015). Collection method: clinical testing. Allele origin: germline.
Comment: This missense change has been observed in individuals with congenital erythropoietic porphyria (PMID: 17298225, 22350154, 22816431). It has also been observed to segregate with disease in related individuals. This sequence change replaces leucine, which is neutral and non-polar, with proline, which is neutral and non-polar, at codon 237 of the UROS protein (p.Leu237Pro). This variant is present in population databases (rs777433697, gnomAD 0.01%). Algorithms developed to predict the effect of missense changes on protein structure and function (SIFT, PolyPhen-2, Align-GVGD) all suggest that this variant is likely to be disruptive. Experimental studies have shown that this missense change affects UROS function (PMID: 19099412). For these reasons, this variant has been classified as Pathogenic.

Literature cited by the submitters: PubMed 17298225; PubMed 22350154; PubMed 22816431; PubMed 19099412.

NM_000375.3(UROS):c.710T>C (p.Leu237Pro)

Gene: UROS (uroporphyrinogen III synthase; minus strand). Cytogenetic location: 10q26.2.
Variant type: single nucleotide variant.
Coding change: c.710T>C on transcript NM_000375.3 (MANE Select); coding-DNA position 710, T replaced by C.
Protein change: p.Leu237Pro; replaces leucine 237 with proline.
Molecular consequence: missense variant. On other transcripts: non-coding transcript variant (3).
Genome position (GRCh38, 1-based): chr10:125,788,956, A>G on the plus strand (T>C on the coding strand, the complement: UROS is on the minus strand). VCF-style: chr10-125788956-A-G. GRCh37 (hg19) VCF-style: chr10-127477525-A-G.
Other names: c.791T>C, p.Leu264Pro (NM_001324036.2); c.710T>C, p.Leu237Pro (NM_001324037.2); c.629T>C, p.Leu210Pro (NM_001324038.2); short protein forms L210P, L237P, L264P.
Identifiers: ClinVar variation 1452604 (VCV001452604.6), dbSNP rs777433697, ClinGen allele CA5738318.